The following is an entry in ClinVar:

ClinVar aggregate classification (germline): Uncertain significance (1 of 4 stars; one submission).

Conditions:
CUX1-related disorder. Also called: CUX1-related condition.

Allele frequency attached by ClinVar (database versions not stated): gnomAD 0.00001.
gnomAD v4.1: 1 of 1,608,774 alleles (0.000062%); highest among the groups gnomAD compares: Non-Finnish European, 0.000085%; no homozygotes.

Submission:

PreventionGenetics, part of Exact Sciences
Classification: Uncertain significance for CUX1-related condition. Last evaluated: 2022-12-08. Review status: criteria provided, single submitter. Criteria: ACMG Guidelines, 2015. Collection method: clinical testing. Allele origin: germline.
Comment: The CUX1 c.1996A>G variant is predicted to result in the amino acid substitution p.Asn666Asp. To our knowledge, this variant has not been reported in the literature. This variant is reported in 0.0065% of alleles in individuals of European (Non-Finnish) descent in gnomAD. At this time, the clinical significance of this variant is uncertain due to the absence of conclusive functional and genetic evidence.

NM_181552.4(CUX1):c.1963A>G (p.Asn655Asp)

Gene: CUX1 (cut like homeobox 1; plus strand). Cytogenetic location: 7q22.1.
Variant type: single nucleotide variant.
Coding change: c.1963A>G on transcript NM_181552.4 (MANE Select); coding-DNA position 1963, A replaced by G.
Protein change: p.Asn655Asp; replaces asparagine 655 with aspartic acid.
Molecular consequence: missense variant. On other transcripts: intron variant (5).
Genome position (GRCh38, 1-based): chr7:102,200,073, A>G. VCF-style: chr7-102200073-A-G. GRCh37 (hg19) VCF-style: chr7-101843353-A-G.
Other names: c.1996A>G, p.Asn666Asp (NM_001202543.2); c.1255+4470A>G (NM_001913.5); c.1249+4470A>G (NM_181500.4); c.1117+4470A>G (NM_001202545.3); c.1207+4470A>G (NM_001202544.3); c.1138+4470A>G (NM_001202546.3); short protein forms N655D, N666D.
Identifiers: ClinVar variation 2635537 (VCV002635537.1), dbSNP rs1554519222, ClinGen allele CA368679181.
Genomic context (GRCh38, chr7:102,200,073, plus strand): 5'-GCGCTGATTTTTGTCCGGGGTTTGGGTTTGATGTCATTGGCGCAACTTCTCCCCACAGGT[A>G]ACATCACCACCCGGATCCGAGCCTCGGAGACTGGCTCTGATGAAGCCATCAAGTCCATCC-3'
Protein context (NP_853530.2, residues 645-665): VPKRRNGSEG[Asn655Asp]ITTRIRASET